The following is an entry in ClinVar:

ClinVar aggregate classification (germline): Uncertain significance (1 of 4 stars; one submission).

Conditions:
Muscular dystrophy-dystroglycanopathy (congenital with impaired intellectual development), type B, 1. Also called: Muscular dystrophy-dystroglycanopathy (congenital with intellectual disability), type B1; MUSCULAR DYSTROPHY, CONGENITAL, POMT1-RELATED. Identifiers: MedGen C5436962, MONDO:0013159, OMIM 613155.
Walker-Warburg congenital muscular dystrophy. Also called: Muscular dystrophy-dystroglycanopathy, type A; Walker-Warburg syndrome. Identifiers: Orphanet 899, MedGen C0265221, MONDO:0000171.
Autosomal recessive limb-girdle muscular dystrophy type 2K. Also called: MUSCULAR DYSTROPHY-DYSTROGLYCANOPATHY (LIMB-GIRDLE), TYPE C, 1; MUSCULAR DYSTROPHY, LIMB-GIRDLE, TYPE 2K. Identifiers: Orphanet 86812, MedGen C1836373, MONDO:0012248, OMIM 609308.

Submission:

Labcorp Genetics (formerly Invitae), Labcorp
Classification: Uncertain significance for Muscular dystrophy-dystroglycanopathy (congenital with impaired intellectual development), type B, 1; Walker-Warburg congenital muscular dystrophy; Autosomal recessive limb-girdle muscular dystrophy type 2K. Last evaluated: 2022-04-01. Review status: criteria provided, single submitter. Criteria: Invitae Variant Classification Sherloc (09022015). Collection method: clinical testing. Allele origin: germline.
Comment: In summary, the available evidence is currently insufficient to determine the role of this variant in disease. Therefore, it has been classified as a Variant of Uncertain Significance. Algorithms developed to predict the effect of missense changes on protein structure and function (SIFT, PolyPhen-2, Align-GVGD) all suggest that this variant is likely to be tolerated. This variant has not been reported in the literature in individuals affected with POMT1-related conditions. This variant is not present in population databases (gnomAD no frequency). This sequence change replaces leucine, which is neutral and non-polar, with valine, which is neutral and non-polar, at codon 612 of the POMT1 protein (p.Leu612Val).

NM_001077365.2(POMT1):c.1768C>G (p.Leu590Val)

Gene: POMT1 (protein O-mannosyltransferase 1; plus strand). Cytogenetic location: 9q34.13.
Variant type: single nucleotide variant.
Coding change: c.1768C>G on transcript NM_001077365.2 (MANE Select); coding-DNA position 1768, C replaced by G.
Protein change: p.Leu590Val; replaces leucine 590 with valine.
Molecular consequence: missense variant. On other transcripts: non-coding transcript variant (10).
Genome position (GRCh38, 1-based): chr9:131,521,415, C>G. VCF-style: chr9-131521415-C-G. GRCh37 (hg19) VCF-style: chr9-134396802-C-G.
Other names: c.1606C>G, p.Leu536Val (NM_001077366.2, NM_001353194.2); c.1768C>G, p.Leu590Val (NM_001136113.2); c.1417C>G, p.Leu473Val (NM_001136114.2, NM_001353195.2, NM_001374691.1 and 2 more transcripts); c.1834C>G, p.Leu612Val (NM_001353193.2, NM_007171.4); c.1678C>G, p.Leu560Val (NM_001353196.2); c.1672C>G, p.Leu558Val (NM_001353197.2, NM_001353198.2); c.1483C>G, p.Leu495Val (NM_001353199.2); c.1312C>G, p.Leu438Val (NM_001353200.2); and 4 more; short protein forms L536V, L558V, L560V, L586V, L460V, L213V, L438V, L495V.
Identifiers: ClinVar variation 2120463 (VCV002120463.4), dbSNP rs2539452946, ClinGen allele CA375313835.